The following is an entry in ClinVar:

ClinVar aggregate classification (germline): Likely pathogenic (1 of 4 stars; one submission).

Conditions:
Snijders Blok-Campeau syndrome. Also called: INTELLECTUAL DEVELOPMENTAL DISORDER WITH MACROCEPHALY, SPEECH DELAY, AND DYSMORPHIC FACIES. Identifiers: Orphanet 599082, MedGen C4748701, MONDO:0032600, OMIM 618205.

Submission:

Molecular Genetics Laboratory, Motol Hospital
Classification: Likely pathogenic for Snijders Blok-Campeau syndrome. Last evaluated: 2025-09-15. Review status: criteria provided, single submitter. Criteria: ACMG Guidelines, 2015. Collection method: clinical testing. Allele origin: de novo. Affected: yes. Observed: 1 variant allele.
Comment: Not present in gnomAD (v4.1.0), dbSNP or ClinVar (PM2). Rare missense variants affecting the CHD3 gene are associated with "Snijders Blok-Campeau syndrome" (SNIBCPS, MIM:618205; PMID:30397230;PMID:32483341;PMID:35346573;PMID:33358638). To conclude, the variant is classified as likely pathogenic (ACMG PM2, PS2, PP2, PP3).

Literature cited by the submitters: PubMed 30397230; PubMed 32483341; PubMed 35346573; PubMed 33358638.

NM_001005273.3(CHD3):c.2288T>C (p.Met763Thr)

Gene: CHD3 (chromodomain helicase DNA binding protein 3; plus strand). Cytogenetic location: 17p13.1.
Variant type: single nucleotide variant.
Coding change: c.2288T>C on transcript NM_001005273.3 (MANE Select); coding-DNA position 2288, T replaced by C.
Protein change: p.Met763Thr; replaces methionine 763 with threonine.
Molecular consequence: missense variant.
Genome position (GRCh38, 1-based): chr17:7,899,147, T>C. VCF-style: chr17-7899147-T-C. GRCh37 (hg19) VCF-style: chr17-7802465-T-C.
Other names: c.2465T>C, p.Met822Thr (NM_001005271.3, NM_001437504.1); c.2453T>C, p.Met818Thr (NM_001437507.1, NM_001437508.1, NM_001437509.1); c.2288T>C, p.Met763Thr (NM_005852.4); short protein forms M763T, M818T, M822T.
Identifiers: ClinVar variation 4086072 (VCV004086072.1).